The following is an entry in ClinVar:

NM_001999.4(FBN2):c.1070G>T (p.Arg357Leu)

Gene: FBN2 (fibrillin 2; minus strand). Cytogenetic location: 5q23.3.
Variant type: single nucleotide variant.
Coding change: c.1070G>T on transcript NM_001999.4 (MANE Select); coding-DNA position 1070, G replaced by T.
Protein change: p.Arg357Leu; replaces arginine 357 with leucine.
Molecular consequence: missense variant.
Genome position (GRCh38, 1-based): chr5:128,408,682, C>A on the plus strand (G>T on the coding strand, the complement: FBN2 is on the minus strand). VCF-style: chr5-128408682-C-A. GRCh37 (hg19) VCF-style: chr5-127744375-C-A.
Other names: short protein forms R357L.
Identifiers: ClinVar variation 2671726 (VCV002671726.1), dbSNP rs773969876, ClinGen allele CA360753132.
Genomic context (GRCh38, chr5:128,408,682, plus strand): 5'-TTTTGTCATTATAAAGACCCAGTGTATTGAGCCTTCAAAATGCGAGGCTTACCGATGCAT[C>A]GAGAGCCATCTGTTGAGGTTACATATCCACGTGGACAAACACAAAAATAGCTTCCCACGG-3'
Protein context (NP_001990.2, residues 347-367): RGYVTSTDGS[Arg357Leu]CIDQRTGMCF

ClinVar aggregate classification (germline): Uncertain significance (1 of 4 stars; one submission).

Conditions:
Congenital contractural arachnodactyly (CCA). Also called: BEALS SYNDROME; Arthrogryposis, distal, type 9; Beals-Hecht syndrome. Identifiers: Orphanet 115, MedGen C0220668, MONDO:0007363, OMIM 121050.

gnomAD v4.1: 1 of 1,613,930 alleles (0.000062%); highest among the groups gnomAD compares: Non-Finnish European, 0.000085%; no homozygotes.

Submission:

Neuberg Centre For Genomic Medicine, NCGM
Classification: Uncertain significance for Congenital contractural arachnodactyly. Last evaluated: 2023-02-14. Review status: criteria provided, single submitter. Criteria: ACMG Guidelines, 2015. Collection method: clinical testing. Allele origin: germline. Inheritance: Autosomal dominant inheritance. Affected: yes.
Comment: The missense c.1070G>T(p.Arg357Leu) variant in FBN2 gene has not been reported previously as a pathogenic variant nor as a benign variant, to our knowledge. The p.Arg357Leu variant is novel (not in any individuals) in gnomAD Exomes and 1000 Genomes. This variant has not been reported to the ClinVar database. The amino acid change p.Arg357Leu in FBN2 is predicted as conserved by GERP++ and PhyloP across 100 vertebrates. The amino acid Arg at position 357 is changed to a Leu changing protein sequence and it might alter its composition and physico-chemical properties. For these reasons, this variant has been classified as Variant of Uncertain Significance (VUS).